The following is an entry in ClinVar:

ClinVar aggregate classification (germline): Uncertain significance (1 of 4 stars; one submission).

Conditions:
Retinal disorder. Also called: Retinopathies; Retinal Diseases; Retinal disorders; Retinopathy. Identifiers: MedGen C0035309, MONDO:0005283, HP:0000488.

Submission:

Genetics Laboratory, Great Ormond Street Hospital NHS Foundation Trust, North Thames Genomic Laboratory Hub
Classification: Uncertain significance for Retinal disorders. Last evaluated: 2026-08-20. Review status: criteria provided, single submitter. Criteria: ACGS Best Practice Guidelines for Variant Classification in Rare Disease 2024 v1.2. Collection method: clinical testing. Allele origin: germline. Affected: yes.
Comment: PM2_moderate, PVS1_moderate, PM3_supporting

NM_001142800.2(EYS):c.8401_8405delinsTATAAACTATAACTATAAACTATAAACTATAAACTATAAACTATAAACTATAAACTATA (p.Gly2801_Ile2802delinsTyrLysLeuTer)

Genes: EYS (EGF-like photoreceptor maintenance factor; minus strand), PHF3 (PHD finger protein 3; plus strand). Cytogenetic location: 6q12.
Variant type: Indel.
Coding change: c.8401_8405delinsTATAAACTATAACTATAAACTATAAACTATAAACTATAAACTATAAACTATAAACTATA on transcript NM_001142800.2 (MANE Select); coding-DNA positions 8401 to 8405, the reference bases replaced by an inserted sequence.
Protein change: p.Gly2801_Ile2802delinsTyrLysLeuTer.
Molecular consequence: nonsense. On other transcripts: 3 prime UTR variant (5).
Genome position (GRCh38, 1-based): chr6:63,721,626-63,721,630, 5 bases replaced. GRCh37 (hg19): chr6:64,431,522-64,431,526.
Other names: c.*7918_*7922delinsTATAGTTTATAGTTTATAGTTTATAGTTTATAGTTTATAGTTTATAGTTATAGTTTATA (NM_001290259.2, NM_001370348.2, NM_001370349.2 and 2 more transcripts); c.8464_8468delinsTATAAACTATAACTATAAACTATAAACTATAAACTATAAACTATAAACTATAAACTATA, p.Gly2822_Ile2823delinsTyrLysLeuTer (NM_001292009.2).
Identifiers: ClinVar variation 5021115 (VCV005021115.1).